The following is an entry in ClinVar:

ClinVar aggregate classification (germline): Conflicting classifications of pathogenicity. Review status: criteria provided, conflicting classifications (1 of 4 stars). 3 submissions from 3 submitters: Uncertain significance (2); Likely benign (1). Last evaluated 2025-11-17.

Conditions:
Inborn genetic diseases. Identifiers: MedGen C0950123, MeSH D030342.

Allele frequency attached by ClinVar (database versions not stated): gnomAD 0.00002; TOPMed 0.00002; ExAC 0.00002.
gnomAD v4.1: 75 of 1,613,550 alleles (0.0046%); highest among the groups gnomAD compares: East Asian, 0.087%; no homozygotes.

Submissions (3):

Labcorp Genetics (formerly Invitae), Labcorp
Classification: Uncertain significance. Last evaluated: 2025-11-17. Review status: criteria provided, single submitter. Criteria: Invitae Variant Classification Sherloc (09022015). Collection method: clinical testing. Allele origin: germline.
Comment: This sequence change replaces arginine, which is basic and polar, with cysteine, which is neutral and slightly polar, at codon 1044 of the SAMD9L protein (p.Arg1044Cys). This variant is present in population databases (rs778278292, gnomAD 0.02%). This variant has not been reported in the literature in individuals affected with SAMD9L-related conditions. ClinVar contains an entry for this variant (Variation ID: 2446516). Invitae Evidence Modeling of protein sequence and biophysical properties (such as structural, functional, and spatial information, amino acid conservation, physicochemical variation, residue mobility, and thermodynamic stability) has been performed for this missense variant. However, the output from this modeling did not meet the statistical confidence thresholds required to predict the impact of this variant on SAMD9L protein function. In summary, the available evidence is currently insufficient to determine the role of this variant in disease. Therefore, it has been classified as a Variant of Uncertain Significance.

Ambry Genetics
Classification: Likely benign for Inborn genetic diseases. Last evaluated: 2025-07-31. Review status: criteria provided, single submitter. Criteria: Ambry Variant Classification Scheme 2023. Collection method: clinical testing. Allele origin: germline.

GeneDx
Classification: Uncertain significance. Last evaluated: 2024-09-05. Review status: criteria provided, single submitter. Criteria: GeneDx Variant Classification Process June 2021. Collection method: clinical testing. Allele origin: germline. Affected: yes.
Comment: In silico analysis supports that this missense variant has a deleterious effect on protein structure/function; Has not been previously published as pathogenic or benign to our knowledge; This variant is associated with the following publications: (PMID: 28545555)

NM_152703.5(SAMD9L):c.3130C>T (p.Arg1044Cys)

Gene: SAMD9L (sterile alpha motif domain containing 9 like; minus strand). Cytogenetic location: 7q21.2.
Variant type: single nucleotide variant.
Coding change: c.3130C>T on transcript NM_152703.5 (MANE Select); coding-DNA position 3130, C replaced by T.
Protein change: p.Arg1044Cys; replaces arginine 1044 with cysteine.
Molecular consequence: missense variant.
Genome position (GRCh38, 1-based): chr7:93,132,842, G>A on the plus strand (C>T on the coding strand, the complement: SAMD9L is on the minus strand). VCF-style: chr7-93132842-G-A. GRCh37 (hg19) VCF-style: chr7-92762155-G-A.
Other names: c.3130C>T, p.Arg1044Cys (NM_001303496.3, NM_001303497.3, NM_001303498.3 and 5 more transcripts); c.3130C>T (NM_152703.2); short protein forms R1044C.
Identifiers: ClinVar variation 2446516 (VCV002446516.7), dbSNP rs778278292, ClinGen allele CA4343501.
Genomic context (GRCh38, chr7:93,132,842, plus strand): 5'-TCTGTAAAGCTTCCATTAATGGGGAAAACAGAGTGTCTGTTTCATCTCCATACACCTTGC[G>A]CTGTCTTGTAAGCAGAAGAGTTTGAACATCATGTTGAAATTTGTCTCTTCCTATTCCAGA-3'
Protein context (NP_689916.2, residues 1034-1054): DVQTLLLTRQ[Arg1044Cys]KVYGDETDTL